The following is an entry in ClinVar:

NM_006996.3(SLC19A2):c.1215G>A (p.Thr405=)

Gene: SLC19A2 (solute carrier family 19 member 2; minus strand). Cytogenetic location: 1q24.2.
Variant type: single nucleotide variant.
Coding change: c.1215G>A on transcript NM_006996.3 (MANE Select); coding-DNA position 1215, G replaced by A.
Protein change: p.Thr405=; no amino-acid change (threonine 405 retained).
Molecular consequence: synonymous variant.
Genome position (GRCh38, 1-based): chr1:169,468,652, C>T on the plus strand (G>A on the coding strand, the complement: SLC19A2 is on the minus strand). VCF-style: chr1-169468652-C-T. GRCh37 (hg19) VCF-style: chr1-169437890-C-T.
Other names: c.612G>A, p.Thr204= (NM_001319667.1).
Identifiers: ClinVar variation 130319 (VCV000130319.28), dbSNP rs61049753, ClinGen allele CA155215.

ClinVar aggregate classification (germline): Benign/Likely benign. Review status: criteria provided, multiple submitters, no conflicts (2 of 4 stars). 7 submissions from 7 submitters: Benign (4); Likely benign (1). 2 of the submissions do not count toward it. Last evaluated 2026-02-04.

Conditions:
SLC19A2-related disorder. Also called: SLC19A2-related condition.
Megaloblastic anemia, thiamine-responsive, with diabetes mellitus and sensorineural deafness (TRMA). Also called: Thiamine-Responsive Megaloblastic Anemia Syndrome; ROGERS SYNDROME; THIAMINE-RESPONSIVE ANEMIA SYNDROME; THIAMINE-RESPONSIVE MYELODYSPLASIA; THIAMINE METABOLISM DYSFUNCTION SYNDROME 1 (MEGALOBLASTIC ANEMIA, DIABETES MELLITUS, AND DEAFNESS TYPE). Identifiers: Orphanet 49827, MedGen C0342287, MONDO:0009575, OMIM 249270.

Allele frequency attached by ClinVar (database versions not stated): ExAC 0.00657; gnomAD 0.01884 and 0.02028; 1000 Genomes Project 0.02097; ESP Exome Variant Server 0.02107; TOPMed 0.02118; 1000 Genomes Project 30x 0.02186.
gnomAD v4.1: 6,949 of 1,613,394 alleles (0.43%); highest among the groups gnomAD compares: African/African-American, 6.3%; 155 homozygotes.

Submissions (7):

Labcorp Genetics (formerly Invitae), Labcorp
Classification: Benign. Last evaluated: 2026-02-04. Review status: criteria provided, single submitter. Criteria: Invitae Variant Classification Sherloc (09022015). Collection method: clinical testing. Allele origin: germline.

ARUP Laboratories, Molecular Genetics and Genomics, ARUP Laboratories
Classification: Benign for Megaloblastic anemia, thiamine-responsive, with diabetes mellitus and sensorineural deafness. Last evaluated: 2023-09-22. Review status: criteria provided, single submitter. Criteria: ARUP Molecular Germline Variant Investigation Process 2024. Collection method: clinical testing. Allele origin: germline.

Illumina Laboratory Services, Illumina
Classification: Benign for Megaloblastic anemia, thiamine-responsive, with diabetes mellitus and sensorineural deafness. Last evaluated: 2018-01-12. Review status: criteria provided, single submitter. Criteria: ICSL Variant Classification Criteria 13 December 2019. Collection method: clinical testing. Allele origin: germline.
Comment: This variant was observed in the ICSL laboratory as part of a predisposition screen in an ostensibly healthy population. It had not been previously curated by ICSL or reported in the Human Gene Mutation Database (HGMD: prior to June 1st, 2018), and was therefore a candidate for classification through an automated scoring system. Utilizing variant allele frequency, disease prevalence and penetrance estimates, and inheritance mode, an automated score was calculated to assess if this variant is too frequent to cause the disease. Based on the score and internal cut-off values, a variant classified as benign is not then subjected to further curation. The score for this variant resulted in a classification of benign for this disease.

GeneDx
Classification: Benign. Last evaluated: 2016-03-24. Review status: criteria provided, single submitter. Criteria: GeneDx Variant Classification (06012015). Collection method: clinical testing. Allele origin: germline. Affected: yes.
Comment: This variant is considered likely benign or benign based on one or more of the following criteria: it is a conservative change, it occurs at a poorly conserved position in the protein, it is predicted to be benign by multiple in silico algorithms, and/or has population frequency not consistent with disease.

Breakthrough Genomics
Classification: Likely benign. Review status: criteria provided, single submitter. Criteria: ACMG Guidelines, 2015. Collection method: not provided. Allele origin: germline. Inheritance: Autosomal recessive inheritance. Affected: yes.

PreventionGenetics, part of Exact Sciences
Classification: Benign for SLC19A2-related condition. Last evaluated: 2019-07-01. Review status: no assertion criteria provided. Collection method: clinical testing. Allele origin: germline. Not counted in ClinVar's aggregate classification.
Comment: This variant is classified as benign based on ACMG/AMP sequence variant interpretation guidelines (Richards et al. 2015 PMID: 25741868, with internal and published modifications).

Genetic Services Laboratory, University of Chicago
Classification: Likely benign for AllHighlyPenetrant. Review status: no assertion criteria provided. Collection method: clinical testing. Allele origin: germline. Inheritance: Autosomal recessive inheritance. Not counted in ClinVar's aggregate classification.
Comment: Likely benign based on allele frequency in 1000 Genomes Project or ESP global frequency and its presence in a patient with a rare or unrelated disease phenotype. NOT Sanger confirmed.